The following is an entry in ClinVar:

ClinVar aggregate classification (germline): Conflicting classifications of pathogenicity. Review status: criteria provided, conflicting classifications (1 of 4 stars). 2 submissions from 2 submitters: Pathogenic (1); Uncertain significance (1). Last evaluated 2025-09-22.

Conditions:
Mitochondrial trifunctional protein deficiency 2 (MTPD2). Identifiers: MedGen C5830374, MONDO:0958185, OMIM 620300.

Submissions (2):

Human Genetics Bochum, Ruhr University Bochum
Classification: Pathogenic for Mitochondrial trifunctional protein deficiency 2. Last evaluated: 2025-09-22. Review status: criteria provided, single submitter. Criteria: ACMG Guidelines, 2015. Collection method: clinical testing. Allele origin: germline. Affected: yes.
Comment: in homozygous state ; ACMG criteria used to clasify this variant: PP3_STR, PM3, PM5, PM2_SUP, PP2

CeGaT Center for Human Genetics Tuebingen
Classification: Uncertain significance. Last evaluated: 2016-06-01. Review status: criteria provided, single submitter. Criteria: CeGaT Center For Human Genetics Tuebingen Variant Classification Criteria Version 2. Collection method: clinical testing. Allele origin: germline. Affected: yes. Observed: 1 variant allele.

NM_000183.3(HADHB):c.487G>A (p.Gly163Ser)

Gene: HADHB (hydroxyacyl-CoA dehydrogenase trifunctional multienzyme complex subunit beta; plus strand). Cytogenetic location: 2p23.3.
Variant type: single nucleotide variant.
Coding change: c.487G>A on transcript NM_000183.3 (MANE Select); coding-DNA position 487, G replaced by A.
Protein change: p.Gly163Ser; replaces glycine 163 with serine.
Molecular consequence: missense variant.
Genome position (GRCh38, 1-based): chr2:26,278,658, G>A. VCF-style: chr2-26278658-G-A. GRCh37 (hg19) VCF-style: chr2-26501526-G-A.
Other names: c.442G>A, p.Gly148Ser (NM_001281512.2); c.421G>A, p.Gly141Ser (NM_001281513.2); short protein forms G163S, G148S, G141S.
Identifiers: ClinVar variation 808706 (VCV000808706.43), dbSNP rs1574662730, ClinGen allele CA346092296.